The following is an entry in ClinVar:

ClinVar aggregate classification (germline): Conflicting classifications of pathogenicity. Review status: criteria provided, conflicting classifications (1 of 4 stars). 7 submissions from 6 submitters: Uncertain significance (2); Likely benign (5). Last evaluated 2024-12-24.

Conditions:
Catecholaminergic polymorphic ventricular tachycardia (CVPT). Also called: Catecholamine-induced polymorphic ventricular tachycardia. Identifiers: Orphanet 3286, MedGen C5574922, MONDO:0017990.
Cardiomyopathy (CMYO). Also called: Cardiomyopathies. Identifiers: Orphanet 167848, MedGen C0878544, MONDO:0004994, HP:0001638. Inheritance: Various modes of inheritance.
Arrhythmogenic right ventricular dysplasia 2. Identifiers: MedGen C1832931.
Cardiovascular phenotype. Identifiers: MedGen CN230736.
Catecholaminergic polymorphic ventricular tachycardia 1. Also called: VENTRICULAR TACHYCARDIA, CATECHOLAMINERGIC POLYMORPHIC, 1, WITH OR WITHOUT ATRIAL DYSFUNCTION AND/OR DILATED CARDIOMYOPATHY; VENTRICULAR TACHYCARDIA, STRESS-INDUCED POLYMORPHIC 1; RYR2-Related Catecholaminergic Polymorphic Ventricular Tachycardia. Identifiers: Orphanet 3286, MedGen C1631597, MONDO:0011484, OMIM 604772.

Allele frequency attached by ClinVar (database versions not stated): TOPMed below 0.00001; ExAC 0.00001; gnomAD 0.00001; gnomAD exomes 0.00001 and 0.00006; 1000 Genomes Project 30x 0.00016.
gnomAD v4.1: 89 of 1,610,804 alleles (0.0055%); highest among the groups gnomAD compares: East Asian, 0.19%; no homozygotes.

Submissions (7):

Labcorp Genetics (formerly Invitae), Labcorp
Classification: Likely benign for Catecholaminergic polymorphic ventricular tachycardia 1. Last evaluated: 2024-12-24. Review status: criteria provided, single submitter. Criteria: Invitae Variant Classification Sherloc (09022015). Collection method: clinical testing. Allele origin: germline.

Women's Health and Genetics/Laboratory Corporation of America, LabCorp
Classification: Likely benign. Last evaluated: 2023-06-10. Review status: criteria provided, single submitter. Criteria: LabCorp Variant Classification Summary - May 2015. Collection method: clinical testing. Allele origin: germline.

All of Us Research Program, National Institutes of Health
Classification: Likely benign for Catecholaminergic polymorphic ventricular tachycardia. Last evaluated: 2023-04-10. Review status: criteria provided, single submitter. Criteria: ACMG Guidelines, 2015. Collection method: clinical testing. Allele origin: germline. Inheritance: Autosomal dominant inheritance. Observed: 1 variant allele, 1 heterozygote.
Comment: This study involves interpretation of variants in research participants for the purpose of population health screening. Participant phenotype was not available at the time of variant classification. Additional details can be found in publication PMID: 35346344, PMCID: PMC8962531

Ambry Genetics
Classification: Likely benign for Cardiovascular phenotype. Last evaluated: 2022-10-02. Review status: criteria provided, single submitter. Criteria: Ambry Variant Classification Scheme 2023. Collection method: clinical testing. Allele origin: germline.

Color Diagnostics, LLC DBA Color Health
Classification: Likely benign for Cardiomyopathy. Last evaluated: 2019-11-05. Review status: criteria provided, single submitter. Criteria: ACMG Guidelines, 2015. Collection method: clinical testing. Allele origin: germline.

Illumina Laboratory Services, Illumina
Classification: Uncertain significance for Catecholaminergic polymorphic ventricular tachycardia 1. Last evaluated: 2018-01-13. Review status: criteria provided, single submitter. Criteria: ICSL Variant Classification Criteria 13 December 2019. Collection method: clinical testing. Allele origin: germline.

Illumina Laboratory Services, Illumina
Classification: Uncertain significance for Catecholaminergic polymorphic ventricular tachycardia 1. Last evaluated: 2018-01-13. Review status: criteria provided, single submitter. Criteria: ICSL Variant Classification Criteria 13 December 2019. Collection method: clinical testing. Allele origin: germline.

NM_001035.3(RYR2):c.2223A>G (p.Val741=)

Gene: RYR2 (ryanodine receptor 2; plus strand). Cytogenetic location: 1q43.
Variant type: single nucleotide variant.
Coding change: c.2223A>G on transcript NM_001035.3 (MANE Select); coding-DNA position 2223, A replaced by G.
Protein change: p.Val741=; no amino-acid change (valine 741 retained).
Molecular consequence: synonymous variant.
Genome position (GRCh38, 1-based): chr1:237,500,730, A>G. VCF-style: chr1-237500730-A-G. GRCh37 (hg19) VCF-style: chr1-237664030-A-G.
Identifiers: ClinVar variation 696779 (VCV000696779.20), dbSNP rs117242563, ClinGen allele CA085996.